The following is an entry in ClinVar:

NM_014698.3(TMEM63A):c.1010_1011del (p.Glu337fs)

Gene: TMEM63A (transmembrane protein 63A; minus strand). Cytogenetic location: 1q42.12.
Variant type: Microsatellite.
Coding change: c.1010_1011del on transcript NM_014698.3 (MANE Select); coding-DNA positions 1010 to 1011, 2 bases deleted (AG; older notation c.1010_1011delAG).
Protein change: p.Glu337fs; shifts the reading frame from glutamic acid 337.
Molecular consequence: frameshift variant.
Genome position (GRCh38, 1-based): chr1:225,862,292-225,862,293, CT deleted on the plus strand (AG on the coding strand, the reverse complement: TMEM63A is on the minus strand); deleting any 2 consecutive bases within chr1:225,862,292-225,862,295 gives the same sequence; the c. name uses the placement nearest the transcript's 3' end. VCF-style (leftmost placement, unchanged base first): chr1-225862291-CCT-C. GRCh37 (hg19) VCF-style: chr1-226049991-CCT-C.
Other names: short protein forms E337fs.
Identifiers: ClinVar variation 4796741 (VCV004796741.1).

ClinVar aggregate classification (germline): Likely benign (1 of 4 stars; one submission).

Conditions:
Leukodystrophy, hypomyelinating, 19, transient infantile. Identifiers: MedGen C5231463, MONDO:0032871, OMIM 618688.

Submission:

Centre for Medical Genetics,  Mumbai
Classification: Likely benign for Leukodystrophy, hypomyelinating, 19, transient infantile. Last evaluated: 2026-02-21. Review status: criteria provided, single submitter. Criteria: ACMG Guidelines, 2015. Collection method: provider interpretation. Allele origin: germline. Inheritance: Autosomal dominant inheritance. Affected: no. Observed: 1 heterozygote.
Comment: The variant satisfies PM2 criteria; Extremely low frequency in gnomAD population databases. The variant satisfies PVS1 criteria; Null variant in a gene where loss of function is a known mechanism of disease. However, the variant satisfies BS2 criteria.

Literature cited by the submitters: PubMed 31587869.